The following is an entry in ClinVar:

ClinVar aggregate classification (germline): Uncertain significance (1 of 4 stars; one submission).

gnomAD v4.1: 18 of 1,614,232 alleles (0.0011%); highest among the groups gnomAD compares: Non-Finnish European, 0.0015%; no homozygotes.

Submission:

Labcorp Genetics (formerly Invitae), Labcorp
Classification: Uncertain significance. Last evaluated: 2025-07-30. Review status: criteria provided, single submitter. Criteria: Invitae Variant Classification Sherloc (09022015). Collection method: clinical testing. Allele origin: germline.
Comment: This sequence change replaces glutamic acid, which is acidic and polar, with lysine, which is basic and polar, at codon 179 of the RNF31 protein (p.Glu179Lys). This variant is present in population databases (rs771114177, gnomAD 0.0009%). This variant has not been reported in the literature in individuals affected with RNF31-related conditions. An algorithm developed to predict the effect of missense changes on protein structure and function outputs the following: PolyPhen-2: "Benign". The lysine amino acid residue is found in multiple mammalian species, which suggests that this missense change does not adversely affect protein function. In summary, the available evidence is currently insufficient to determine the role of this variant in disease. Therefore, it has been classified as a Variant of Uncertain Significance.

NM_017999.5(RNF31):c.535G>A (p.Glu179Lys)

Gene: RNF31 (ring finger protein 31; plus strand). Cytogenetic location: 14q12.
Variant type: single nucleotide variant.
Coding change: c.535G>A on transcript NM_017999.5 (MANE Select); coding-DNA position 535, G replaced by A.
Protein change: p.Glu179Lys; replaces glutamic acid 179 with lysine.
Molecular consequence: missense variant.
Genome position (GRCh38, 1-based): chr14:24,148,681, G>A. VCF-style: chr14-24148681-G-A. GRCh37 (hg19) VCF-style: chr14-24617890-G-A.
Other names: c.82G>A, p.Glu28Lys (NM_001310332.2); short protein forms E28K, E179K.
Identifiers: ClinVar variation 4775908 (VCV004775908.1).
Genomic context (GRCh38, chr14:24,148,681, plus strand): 5'-TTTTTATCTGTATTATTGCAGAATACTCATCCAAGACAGCAGGCACTGGAGCAGCTGTTG[G>A]AAGACAAGGTTGAAGATGATGTAAGGAAGGCAGGAAAGGGGCTGGTGTACAAAGGAAACA-3'
Protein context (NP_060469.4, residues 169-189): PRQQALEQLL[Glu179Lys]DKVEDDMLQL